The following is an entry in ClinVar:

ClinVar aggregate classification (germline): Uncertain significance (0 of 4 stars; one submission).

Submission:

Department of Pathology and Laboratory Medicine, Sinai Health System
Classification: Uncertain significance. Review status: no assertion criteria provided. Collection method: clinical testing. Allele origin: unknown. Affected: yes. Study: The Canadian Open Genetics Repository (COGR).
Comment: The KEL p.Pro326Gln variant was not identified in the literature nor was it identified in ClinVar, Cosmic or LOVD 3.0. The variant was identified in dbSNP (ID: rs751284993) and in control databases in 1 of 251308 chromosomes at a frequency of 0.000004 (Genome Aggregation Database Feb 27, 2017). The variant was observed in the following population: European (non-Finnish) in 1 of 113610 chromosomes (freq: 0.000009), while the variant was not observed in the African, Latino, Ashkenazi Jewish, East Asian, European (Finnish), Other, and South Asian populations. The p.Pro326 residue is not conserved in mammals and four out of five computational analyses (PolyPhen-2, SIFT, AlignGVGD, MutationTaster) do not suggest a high likelihood of impact to the protein; however, this information is not predictive enough to rule out pathogenicity. The variant occurs outside of the splicing consensus sequence and 3 of 4 in silico or computational prediction software programs (SpliceSiteFinder, MaxEntScan, NNSPLICE, GeneSplicer) do not predict a difference in splicing. In summary, based on the above information the clinical significance of this variant cannot be determined with certainty at this time. This variant is classified as a variant of uncertain significance.

NM_000420.3(KEL):c.977C>A (p.Pro326Gln)

Gene: KEL (Kell metallo-endopeptidase (Kell blood group); minus strand). Cytogenetic location: 7q34.
Variant type: single nucleotide variant.
Coding change: c.977C>A on transcript NM_000420.3 (MANE Select); coding-DNA position 977, C replaced by A.
Protein change: p.Pro326Gln; replaces proline 326 with glutamine.
Molecular consequence: missense variant.
Genome position (GRCh38, 1-based): chr7:142,953,904, G>T on the plus strand (C>A on the coding strand, the complement: KEL is on the minus strand). VCF-style: chr7-142953904-G-T. GRCh37 (hg19) VCF-style: chr7-142650991-G-T.
Other names: short protein forms P326Q.
Identifiers: ClinVar variation 1049137 (VCV001049137.1), dbSNP rs751284993, ClinGen allele CA369627789.
Genomic context (GRCh38, chr7:142,953,904, plus strand): 5'-ATGTTTTTCAAATATTCCACGTCATGGACCACGAGGGACTGAGAAGGGCTCAGGGACATC[G>T]GTGTGAATGTCGCTTGCAAGCAGGACAACCAGTCGATGGCGGGGGCCATTTCCTTAGAGG-3'
Protein context (NP_000411.1, residues 316-336): WLSCLQATFT[Pro326Gln]MSLSPSQSLV